The following is an entry in ClinVar:

ClinVar aggregate classification (germline): Uncertain significance (1 of 4 stars; one submission).

Allele frequency attached by ClinVar (database versions not stated): ExAC 0.00001; gnomAD exomes below 0.00001.
gnomAD v4.1: 1 of 1,603,628 alleles (0.000062%); highest among the groups gnomAD compares: Non-Finnish European, 0.000085%; no homozygotes.

Submission:

Labcorp Genetics (formerly Invitae), Labcorp
Classification: Uncertain significance. Last evaluated: 2025-03-03. Review status: criteria provided, single submitter. Criteria: Invitae Variant Classification Sherloc (09022015). Collection method: clinical testing. Allele origin: germline.
Comment: This sequence change falls in intron 17 of the CTR9 gene. It does not directly change the encoded amino acid sequence of the CTR9 protein. It affects a nucleotide within the consensus splice site. This variant is present in population databases (rs753565587, gnomAD 0.0009%). This variant has not been reported in the literature in individuals affected with CTR9-related conditions. ClinVar contains an entry for this variant (Variation ID: 1497918). Variants that disrupt the consensus splice site are a relatively common cause of aberrant splicing (PMID: 17576681, 9536098). Algorithms developed to predict the effect of sequence changes on RNA splicing suggest that this variant is not likely to affect RNA splicing. In summary, the available evidence is currently insufficient to determine the role of this variant in disease. Therefore, it has been classified as a Variant of Uncertain Significance.

Literature cited by the submitters: PubMed 17576681; PubMed 9536098.

NM_014633.5(CTR9):c.2227-3C>T

Gene: CTR9 (CTR9 component of Paf1/RNA polymerase II complex; plus strand). Cytogenetic location: 11p15.4.
Variant type: single nucleotide variant.
Coding change: c.2227-3C>T on transcript NM_014633.5 (MANE Select); 3 bases into the intron before coding-DNA position 2227, C replaced by T.
Molecular consequence: intron variant.
Genome position (GRCh38, 1-based): chr11:10,770,484, C>T. VCF-style: chr11-10770484-C-T. GRCh37 (hg19) VCF-style: chr11-10792031-C-T.
Other names: c.2227-3C>T (NM_001346279.2).
Identifiers: ClinVar variation 1497918 (VCV001497918.6), dbSNP rs753565587, ClinGen allele CA5885281.
Genomic context (GRCh38, chr11:10,770,484, plus strand): 5'-TCTGCTGTCTAAGATCCTTTTCATGTCATTTGAACATATGAAATATTTATTTTTTATTCA[C>T]AGGCTAGACATGTGGCACCCAGTGATACAGTTCTTATGTTTAATGTGGCCTTGGTCCTGC-3'